The following is an entry in ClinVar:

NM_004614.5(TK2):c.376-1G>A

Gene: TK2 (thymidine kinase 2; minus strand). Cytogenetic location: 16q21.
Variant type: single nucleotide variant.
Coding change: c.376-1G>A on transcript NM_004614.5 (MANE Select); the canonical splice acceptor site of the intron before coding-DNA position 376, G replaced by A.
Molecular consequence: splice acceptor variant.
Genome position (GRCh38, 1-based): chr16:66,529,068, C>T on the plus strand (G>A on the coding strand, the complement: TK2 is on the minus strand). VCF-style: chr16-66529068-C-T. GRCh37 (hg19) VCF-style: chr16-66562971-C-T.
Other names: c.283-1G>A (NM_001271935.1, NM_001172643.1); c.301-1G>A (NM_001172644.2); c.322-1G>A (NM_001172645.2); c.229-1G>A (NM_001271934.2); c.85-1G>A (NM_001272050.2).
Identifiers: ClinVar variation 3652546 (VCV003652546.2).

ClinVar aggregate classification (germline): Likely pathogenic (1 of 4 stars; one submission).

Submission:

Labcorp Genetics (formerly Invitae), Labcorp
Classification: Likely pathogenic. Last evaluated: 2024-05-07. Review status: criteria provided, single submitter. Criteria: Invitae Variant Classification Sherloc (09022015). Collection method: clinical testing. Allele origin: germline.
Comment: This sequence change affects an acceptor splice site in intron 5 of the TK2 gene. It is expected to disrupt RNA splicing. Variants that disrupt the donor or acceptor splice site typically lead to a loss of protein function (PMID: 16199547), and loss-of-function variants in TK2 are known to be pathogenic (PMID: 20421844). This variant is not present in population databases (gnomAD no frequency). This variant has not been reported in the literature in individuals affected with TK2-related conditions. Algorithms developed to predict the effect of sequence changes on RNA splicing suggest that this variant may disrupt the consensus splice site. In summary, the currently available evidence indicates that the variant is pathogenic, but additional data are needed to prove that conclusively. Therefore, this variant has been classified as Likely Pathogenic.

Literature cited by the submitters: PubMed 16199547; PubMed 20421844.